The following is an entry in ClinVar:

NM_022124.6(CDH23):c.9943C>G (p.Leu3315Val)

Gene: CDH23 (cadherin related 23; plus strand). Cytogenetic location: 10q22.1.
Variant type: single nucleotide variant.
Coding change: c.9943C>G on transcript NM_022124.6 (MANE Select); coding-DNA position 9943, C replaced by G.
Protein change: p.Leu3315Val; replaces leucine 3315 with valine.
Molecular consequence: missense variant.
Genome position (GRCh38, 1-based): chr10:71,815,156, C>G. VCF-style: chr10-71815156-C-G. GRCh37 (hg19) VCF-style: chr10-73574913-C-G.
Other names: c.3223C>G, p.Leu1075Val (NM_001171933.1); c.3118C>G, p.Leu1040Val (NM_001171934.1); c.634C>G, p.Leu212Val (NM_001171935.1); c.529C>G, p.Leu177Val (NM_001171936.1); short protein forms L1075V, L212V, L3315V, L177V, L1040V.
Identifiers: ClinVar variation 1523576 (VCV001523576.5), dbSNP rs1442206473, ClinGen allele CA377138675.

ClinVar aggregate classification (germline): Uncertain significance. Review status: criteria provided, multiple submitters, no conflicts (2 of 4 stars). 3 submissions from 3 submitters: Uncertain significance (2). 1 of the submissions does not count toward it. Last evaluated 2022-06-08.

Conditions:
Retinal dystrophy. Also called: Inherited retinal dystrophy. Identifiers: Orphanet 71862, MedGen C0854723, MeSH D058499, MONDO:0019118, HP:0000556.

Allele frequency attached by ClinVar (database versions not stated): gnomAD exomes 0.00001; TOPMed 0.00002.
gnomAD v4.1: 18 of 1,611,340 alleles (0.0011%); highest among the groups gnomAD compares: Non-Finnish European, 0.0014%; no homozygotes.

Submissions (3):

Blueprint Genetics
Classification: Uncertain significance. Last evaluated: 2022-06-08. Review status: criteria provided, single submitter. Criteria: ACMG Guidelines, 2015. Collection method: clinical testing. Allele origin: germline.

Labcorp Genetics (formerly Invitae), Labcorp
Classification: Uncertain significance. Last evaluated: 2021-11-14. Review status: criteria provided, single submitter. Criteria: Invitae Variant Classification Sherloc (09022015). Collection method: clinical testing. Allele origin: germline.
Comment: This sequence change replaces leucine, which is neutral and non-polar, with valine, which is neutral and non-polar, at codon 3315 of the CDH23 protein (p.Leu3315Val). This variant is present in population databases (no rsID available, gnomAD 0.003%). This variant has not been reported in the literature in individuals affected with CDH23-related conditions. Algorithms developed to predict the effect of missense changes on protein structure and function are either unavailable or do not agree on the potential impact of this missense change (SIFT: "Deleterious"; PolyPhen-2: "Not Available"; Align-GVGD: "Class C0"). Algorithms developed to predict the effect of sequence changes on RNA splicing suggest that this variant may create or strengthen a splice site. In summary, the available evidence is currently insufficient to determine the role of this variant in disease. Therefore, it has been classified as a Variant of Uncertain Significance.

Institute of Human Genetics, Univ. Regensburg, Univ. Regensburg
Classification: Uncertain significance for Retinal dystrophy. Last evaluated: 2022-01-01. Review status: no assertion criteria provided. Criteria: ACMG Guidelines, 2015. Collection method: clinical testing. Allele origin: germline. Affected: yes. Not counted in ClinVar's aggregate classification.